The following is an entry in ClinVar:

NM_004698.4(PRPF3):c.547A>G (p.Ile183Val)

Gene: PRPF3 (pre-mRNA processing factor 3; plus strand). Cytogenetic location: 1q21.2.
Variant type: single nucleotide variant.
Coding change: c.547A>G on transcript NM_004698.4 (MANE Select); coding-DNA position 547, A replaced by G.
Protein change: p.Ile183Val; replaces isoleucine 183 with valine.
Molecular consequence: missense variant. On other transcripts: non-coding transcript variant (4).
Genome position (GRCh38, 1-based): chr1:150,333,018, A>G. VCF-style: chr1-150333018-A-G. GRCh37 (hg19) VCF-style: chr1-150305489-A-G.
Other names: c.142A>G, p.Ile48Val (NM_001350529.1); short protein forms I183V, I48V.
Identifiers: ClinVar variation 4748330 (VCV004748330.2).

ClinVar aggregate classification (germline): Uncertain significance. Review status: criteria provided, multiple submitters, no conflicts (2 of 4 stars). 2 submissions from 2 submitters: Uncertain significance (2). Last evaluated 2025-08-24.

gnomAD v4.1: 8 of 1,613,854 alleles (0.0005%); highest among the groups gnomAD compares: African/African-American, 0.0027%; no homozygotes.

Submissions (2):

Labcorp Genetics (formerly Invitae), Labcorp
Classification: Uncertain significance. Last evaluated: 2025-08-24. Review status: criteria provided, single submitter. Criteria: Invitae Variant Classification Sherloc (09022015). Collection method: clinical testing. Allele origin: germline.
Comment: This sequence change replaces isoleucine, which is neutral and non-polar, with valine, which is neutral and non-polar, at codon 183 of the PRPF3 protein (p.Ile183Val). This variant is present in population databases (rs377650420, gnomAD 0.008%). This variant has not been reported in the literature in individuals affected with PRPF3-related conditions. Invitae Evidence Modeling of protein sequence and biophysical properties (such as structural, functional, and spatial information, amino acid conservation, physicochemical variation, residue mobility, and thermodynamic stability) indicates that this missense variant is not expected to disrupt PRPF3 protein function with a negative predictive value of 95%. In summary, the available evidence is currently insufficient to determine the role of this variant in disease. Therefore, it has been classified as a Variant of Uncertain Significance.

Blueprint Genetics
Classification: Uncertain significance. Last evaluated: 2018-09-10. Review status: criteria provided, single submitter. Criteria: ACMG Guidelines, 2015. Collection method: clinical testing. Allele origin: germline.